The following is an entry in ClinVar:

NM_001291303.3(FAT4):c.5921-14C>T

Gene: FAT4 (FAT atypical cadherin 4; plus strand). Cytogenetic location: 4q28.1.
Variant type: single nucleotide variant.
Coding change: c.5921-14C>T on transcript NM_001291303.3 (MANE Select); 14 bases into the intron before coding-DNA position 5921, C replaced by T.
Molecular consequence: intron variant.
Genome position (GRCh38, 1-based): chr4:125,414,870, C>T. VCF-style: chr4-125414870-C-T. GRCh37 (hg19) VCF-style: chr4-126336025-C-T.
Other names: c.5921-14C>T (NM_001291285.3, NM_024582.6).
Identifiers: ClinVar variation 516686 (VCV000516686.17), dbSNP rs190218898, ClinGen allele CA3072835.
Genomic context (GRCh38, chr4:125,414,870, plus strand): 5'-GCTAAAAGTTTTGGTATAGCTTGTTCTGCAATCAGCATATGTTTAAGAAAATTTTTTCTT[C>T]CCTTTAATTTCAGGCATCAACTCTCAATTGACTTATAGCATTGCTTCAGGTGATAGCCTT-3'

ClinVar aggregate classification (germline): Benign/Likely benign. Review status: criteria provided, multiple submitters, no conflicts (2 of 4 stars). 4 submissions from 4 submitters: Benign (1); Likely benign (3). Last evaluated 2026-02-01.

Allele frequency attached by ClinVar (database versions not stated): 1000 Genomes Project 30x 0.00062; 1000 Genomes Project 0.00080; ExAC 0.00110; gnomAD exomes 0.00114 and 0.00225; gnomAD 0.00151 and 0.00144; TOPMed 0.00134; ESP Exome Variant Server 0.00138.
gnomAD v4.1: 3,331 of 1,554,902 alleles (0.21%); highest among the groups gnomAD compares: Non-Finnish European, 0.27%; 4 homozygotes.

Submissions (4):

Labcorp Genetics (formerly Invitae), Labcorp
Classification: Benign. Last evaluated: 2026-02-01. Review status: criteria provided, single submitter. Criteria: Invitae Variant Classification Sherloc (09022015). Collection method: clinical testing. Allele origin: germline.

Blueprint Genetics
Classification: Likely benign. Last evaluated: 2024-11-14. Review status: criteria provided, single submitter. Criteria: ACMG Guidelines, 2015. Collection method: clinical testing. Allele origin: germline.

ARUP Laboratories, Molecular Genetics and Genomics, ARUP Laboratories
Classification: Likely benign. Last evaluated: 2019-11-25. Review status: criteria provided, single submitter. Criteria: ARUP Molecular Germline Variant Investigation Process. Collection method: clinical testing. Allele origin: germline.

GeneDx
Classification: Likely benign. Last evaluated: 2018-01-02. Review status: criteria provided, single submitter. Criteria: GeneDx Variant Classification (06012015). Collection method: clinical testing. Allele origin: germline. Affected: yes.
Comment: This variant is considered likely benign or benign based on one or more of the following criteria: it is a conservative change, it occurs at a poorly conserved position in the protein, it is predicted to be benign by multiple in silico algorithms, and/or has population frequency not consistent with disease.